The following is an entry in ClinVar:

ClinVar aggregate classification (germline): Pathogenic (1 of 4 stars; one submission).

Submission:

Labcorp Genetics (formerly Invitae), Labcorp
Classification: Pathogenic. Last evaluated: 2024-02-28. Review status: criteria provided, single submitter. Criteria: Invitae Variant Classification Sherloc (09022015). Collection method: clinical testing. Allele origin: germline.
Comment: This sequence change creates a premature translational stop signal (p.Glu410Serfs*17) in the CCDC88C gene. It is expected to result in an absent or disrupted protein product. Loss-of-function variants in CCDC88C are known to be pathogenic (PMID: 23042809, 29225145). This variant is not present in population databases (gnomAD no frequency). This variant has not been reported in the literature in individuals affected with CCDC88C-related conditions. For these reasons, this variant has been classified as Pathogenic.

Literature cited by the submitters: PubMed 23042809; PubMed 29225145.

NM_001080414.4(CCDC88C):c.1228del (p.Glu410fs)

Gene: CCDC88C (coiled-coil and HOOK domain protein 88C; minus strand). Cytogenetic location: 14q32.11.
Variant type: Deletion.
Coding change: c.1228del on transcript NM_001080414.4 (MANE Select); coding-DNA position 1228, one base deleted (G; older notation c.1228delG).
Protein change: p.Glu410fs; shifts the reading frame from glutamic acid 410.
Molecular consequence: frameshift variant. On other transcripts: non-coding transcript variant (2).
Genome position (GRCh38, 1-based): chr14:91,324,893, C deleted on the plus strand (G on the coding strand, the reverse complement: CCDC88C is on the minus strand); the first of 2 consecutive C bases (chr14:91,324,893-91,324,894); deleting either gives the same sequence. VCF-style (leftmost placement, unchanged base first): chr14-91324892-TC-T. GRCh37 (hg19) VCF-style: chr14-91791236-TC-T.
Other names: short protein forms E410fs.
Identifiers: ClinVar variation 3642519 (VCV003642519.2).